The following is an entry in ClinVar:

NM_000138.5(FBN1):c.2785A>G (p.Thr929Ala)

Gene: FBN1 (fibrillin 1; minus strand). Cytogenetic location: 15q21.1.
Variant type: single nucleotide variant.
Coding change: c.2785A>G on transcript NM_000138.5 (MANE Select); coding-DNA position 2785, A replaced by G.
Protein change: p.Thr929Ala; replaces threonine 929 with alanine.
Molecular consequence: missense variant.
Genome position (GRCh38, 1-based): chr15:48,492,530, T>C on the plus strand (A>G on the coding strand, the complement: FBN1 is on the minus strand). VCF-style: chr15-48492530-T-C. GRCh37 (hg19) VCF-style: chr15-48784727-T-C.
Other names: short protein forms T929A.
Identifiers: ClinVar variation 628357 (VCV000628357.8), dbSNP rs372203315, ClinGen allele CA048846.

ClinVar aggregate classification (germline): Uncertain significance. Review status: criteria provided, multiple submitters, no conflicts (2 of 4 stars). 3 submissions from 3 submitters: Uncertain significance (2). 1 of the submissions does not count toward it. Last evaluated 2023-12-21.

Conditions:
Familial thoracic aortic aneurysm and aortic dissection (TAAD). Also called: Thoracic aortic aneurysms and dissections. Identifiers: Orphanet 91387, MedGen C4707243, MONDO:0019625.
Marfan syndrome (MFS). Also called: FBN1-Related Marfan Syndrome; Marfan syndrome type 1; Marfan's syndrome; Marfan syndrome, classic; MARFAN SYNDROME, TYPE I. Identifiers: Orphanet 284963, Orphanet 558, MedGen C0024796, MONDO:0007947, OMIM 154700.

gnomAD v4.1: 6 of 1,612,926 alleles (0.00037%); highest among the groups gnomAD compares: East Asian, 0.013%; no homozygotes.

Submissions (3):

Color Diagnostics, LLC DBA Color Health
Classification: Uncertain significance for Familial thoracic aortic aneurysm and aortic dissection. Last evaluated: 2023-12-21. Review status: criteria provided, single submitter. Criteria: ACMG Guidelines, 2015. Collection method: clinical testing. Allele origin: germline.
Comment: This missense variant replaces threonine with alanine at codon 929 of the FBN1 protein. Computational prediction suggests that this variant may not impact protein structure and function (internally defined REVEL score threshold <= 0.5, PMID: 27666373). To our knowledge, functional studies have not been reported for this variant. This variant has not been reported in individuals affected with cardiovascular disorders in the literature. This variant has been identified in 3/251432 chromosomes in the general population by the Genome Aggregation Database (gnomAD). The available evidence is insufficient to determine the role of this variant in disease conclusively. Therefore, this variant is classified as a Variant of Uncertain Significance.

All of Us Research Program, National Institutes of Health
Classification: Uncertain significance for Marfan syndrome. Last evaluated: 2023-06-28. Review status: criteria provided, single submitter. Criteria: ACMG Guidelines, 2015. Collection method: clinical testing. Allele origin: germline. Inheritance: Autosomal dominant inheritance. Observed: 1 variant allele, 1 heterozygote.
Comment: This missense variant replaces threonine with alanine at codon 929 of the FBN1 protein. Computational prediction suggests that this variant may not impact protein structure and function (internally defined REVEL score threshold <= 0.5, PMID: 27666373). To our knowledge, functional studies have not been reported for this variant. This variant has not been reported in individuals affected with cardiovascular disorders in the literature. This variant has been identified in 3/251432 chromosomes in the general population by the Genome Aggregation Database (gnomAD). The available evidence is insufficient to determine the role of this variant in disease conclusively. Therefore, this variant is classified as a Variant of Uncertain Significance.

This study involves interpretation of variants in research participants for the purpose of population health screening. Participant phenotype was not available at the time of variant classification. Additional details can be found in publication PMID: 35346344, PMCID: PMC8962531

Department of Laboratory Medicine and Genetics, Samsung Medical Center
Classification: Uncertain significance for Marfan syndrome. Last evaluated: 2025-01-02. Review status: no assertion criteria provided. Collection method: clinical testing. Allele origin: germline. Not counted in ClinVar's aggregate classification.
Comment: The NM_000138.5:c.2785A>G is considered to be not rare in the general population database (gnomAD v2.1.1). In summary, the available evidence is currently insufficient to evaluate the pathogenicity of this variant, resulting its classification as a variant of uncertain significance (BS1).